The following is an entry in ClinVar:

ClinVar aggregate classification (germline): Conflicting classifications of pathogenicity. Review status: criteria provided, conflicting classifications (1 of 4 stars). 11 submissions from 11 submitters: Uncertain significance (2); Benign (3); Likely benign (3). 3 of the submissions do not count toward it. Last evaluated 2026-04-01.

Conditions:
Nemaline myopathy 2 (NEM2). Also called: Nemaline myopathy 2, autosomal recessive. Identifiers: MedGen C1850569, MONDO:0009725, OMIM 256030.

Allele frequency attached by ClinVar (database versions not stated): 1000 Genomes Project 30x 0.00094; 1000 Genomes Project 0.00100; gnomAD 0.00236; TOPMed 0.00248; ESP Exome Variant Server 0.00323.
gnomAD v4.1: 5,482 of 1,605,236 alleles (0.34%); highest among the groups gnomAD compares: Non-Finnish European, 0.41%; 18 homozygotes.

Submissions (11):

CeGaT Center for Human Genetics Tuebingen
Classification: Likely benign. Last evaluated: 2026-04-01. Review status: criteria provided, single submitter. Criteria: CeGaT Center For Human Genetics Tuebingen Variant Classification Criteria Version 2. Collection method: clinical testing. Allele origin: germline. Affected: yes. Observed: 15 variant alleles.
Comment: NEB: BP4, BP7, BS2

Labcorp Genetics (formerly Invitae), Labcorp
Classification: Benign for Nemaline myopathy 2. Last evaluated: 2026-02-04. Review status: criteria provided, single submitter. Criteria: Invitae Variant Classification Sherloc (09022015). Collection method: clinical testing. Allele origin: germline.

Blueprint Genetics
Classification: Likely benign. Last evaluated: 2024-11-21. Review status: criteria provided, single submitter. Criteria: ACMG Guidelines, 2015. Collection method: clinical testing. Allele origin: germline.

GeneDx
Classification: Likely benign. Last evaluated: 2021-05-28. Review status: criteria provided, single submitter. Criteria: GeneDx Variant Classification Process June 2021. Collection method: clinical testing. Allele origin: germline. Affected: yes.
Comment: This variant is associated with the following publications: (PMID: 27535533)

Athena Diagnostics
Classification: Benign. Last evaluated: 2019-12-27. Review status: criteria provided, single submitter. Criteria: Athena Diagnostics Criteria. Collection method: clinical testing. Allele origin: unknown.

Illumina Laboratory Services, Illumina
Classification: Uncertain significance for Nemaline myopathy 2. Last evaluated: 2018-01-12. Review status: criteria provided, single submitter. Criteria: ICSL Variant Classification Criteria 13 December 2019. Collection method: clinical testing. Allele origin: germline.

Eurofins Ntd Llc (ga)
Classification: Uncertain significance. Last evaluated: 2015-02-09. Review status: criteria provided, single submitter. Criteria: EGL Classification Definitions 2015. Collection method: clinical testing. Allele origin: germline. Observed: 1 variant allele, 1 heterozygote.

PreventionGenetics, part of Exact Sciences
Classification: Benign. Review status: criteria provided, single submitter. Criteria: ACMG Guidelines, 2015. Collection method: clinical testing. Allele origin: germline.

Natera, Inc.
Classification: Likely benign for Nemaline myopathy type 2. Last evaluated: 2019-11-11. Review status: no assertion criteria provided. Collection method: clinical testing. Allele origin: germline. Not counted in ClinVar's aggregate classification.

Clinical Genetics DNA and cytogenetics Diagnostics Lab, Erasmus MC, Erasmus Medical Center
Classification: Likely benign. Review status: no assertion criteria provided. Collection method: clinical testing. Allele origin: germline. Affected: yes. Study: VKGL Data-share Consensus. Not counted in ClinVar's aggregate classification.

Laboratory of Diagnostic Genome Analysis, Leiden University Medical Center (LUMC)
Classification: Likely benign. Review status: no assertion criteria provided. Collection method: clinical testing. Allele origin: germline. Affected: yes. Study: VKGL Data-share Consensus. Not counted in ClinVar's aggregate classification.

Literature cited by the submitters: PubMed 23441136 (cited by Athena Diagnostics).

NM_001164508.2(NEB):c.4272G>C (p.Thr1424=)

Gene: NEB (nebulin; minus strand). Cytogenetic location: 2q23.3.
Variant type: single nucleotide variant.
Coding change: c.4272G>C on transcript NM_001164508.2 (MANE Select); coding-DNA position 4272, G replaced by C.
Protein change: p.Thr1424=; no amino-acid change (threonine 1424 retained).
Molecular consequence: synonymous variant.
Genome position (GRCh38, 1-based): chr2:151,672,396, C>G on the plus strand (G>C on the coding strand, the complement: NEB is on the minus strand). VCF-style: chr2-151672396-C-G. GRCh37 (hg19) VCF-style: chr2-152528910-C-G.
Other names: c.4272G>C, p.Thr1424= (NM_001164507.2, NM_001271208.2, NM_004543.5).
Identifiers: ClinVar variation 197008 (VCV000197008.51), dbSNP rs35654397, ClinGen allele CA244892.